The following is an entry in ClinVar:

NM_020831.6(MRTFA):c.872G>A (p.Ser291Asn)

Gene: MRTFA (myocardin related transcription factor A; minus strand). Cytogenetic location: 22q13.1.
Variant type: single nucleotide variant.
Coding change: c.872G>A on transcript NM_020831.6 (MANE Select); coding-DNA position 872, G replaced by A.
Protein change: p.Ser291Asn; replaces serine 291 with asparagine.
Molecular consequence: missense variant. On other transcripts: intron variant (1).
Genome position (GRCh38, 1-based): chr22:40,423,591, C>T on the plus strand (G>A on the coding strand, the complement: MRTFA is on the minus strand). VCF-style: chr22-40423591-C-T. GRCh37 (hg19) VCF-style: chr22-40819595-C-T.
Other names: c.677G>A, p.Ser226Asn (NM_001318139.2); c.777+615G>A (NM_001282661.3); c.572G>A, p.Ser191Asn (NM_001282660.2); c.872G>A, p.Ser291Asn (NM_001282662.3); short protein forms S291N, S191N, S226N.
Identifiers: ClinVar variation 3721932 (VCV003721932.2).

ClinVar aggregate classification (germline): Uncertain significance (1 of 4 stars; one submission).

Submission:

Labcorp Genetics (formerly Invitae), Labcorp
Classification: Uncertain significance. Last evaluated: 2024-12-09. Review status: criteria provided, single submitter. Criteria: Invitae Variant Classification Sherloc (09022015). Collection method: clinical testing. Allele origin: germline.
Comment: This sequence change replaces serine, which is neutral and polar, with asparagine, which is neutral and polar, at codon 191 of the MKL1 protein (p.Ser191Asn). This variant is not present in population databases (gnomAD no frequency). This variant has not been reported in the literature in individuals affected with MKL1-related conditions. An algorithm developed to predict the effect of missense changes on protein structure and function outputs the following: PolyPhen-2: "Benign". The asparagine amino acid residue is found in multiple mammalian species, which suggests that this missense change does not adversely affect protein function. In summary, the available evidence is currently insufficient to determine the role of this variant in disease. Therefore, it has been classified as a Variant of Uncertain Significance.